The following is an entry in ClinVar:

ClinVar aggregate classification (germline): Uncertain significance (1 of 4 stars; one submission).

Submission:

Labcorp Genetics (formerly Invitae), Labcorp
Classification: Uncertain significance. Last evaluated: 2023-03-01. Review status: criteria provided, single submitter. Criteria: Invitae Variant Classification Sherloc (09022015). Collection method: clinical testing. Allele origin: germline.
Comment: This sequence change replaces glycine, which is neutral and non-polar, with glutamic acid, which is acidic and polar, at codon 730 of the GRIA3 protein (p.Gly730Glu). This variant is not present in population databases (gnomAD no frequency). This variant has not been reported in the literature in individuals affected with GRIA3-related conditions. Advanced modeling of protein sequence and biophysical properties (such as structural, functional, and spatial information, amino acid conservation, physicochemical variation, residue mobility, and thermodynamic stability) performed at Invitae indicates that this missense variant is not expected to disrupt GRIA3 protein function. In summary, the available evidence is currently insufficient to determine the role of this variant in disease. Therefore, it has been classified as a Variant of Uncertain Significance.

NM_007325.5(GRIA3):c.2189G>A (p.Gly730Glu)

Gene: GRIA3 (glutamate ionotropic receptor AMPA type subunit 3; plus strand). Cytogenetic location: Xq25.
Variant type: single nucleotide variant.
Coding change: c.2189G>A on transcript NM_007325.5 (MANE Select); coding-DNA position 2189, G replaced by A.
Protein change: p.Gly730Glu; replaces glycine 730 with glutamic acid.
Molecular consequence: missense variant.
Genome position (GRCh38, 1-based): chrX:123,464,977, G>A. VCF-style: chrX-123464977-G-A. GRCh37 (hg19) VCF-style: chrX-122598828-G-A.
Other names: c.2189G>A, p.Gly730Glu (NM_000828.5); short protein forms G730E.
Identifiers: ClinVar variation 2821055 (VCV002821055.3), dbSNP rs866395967, ClinGen allele CA335243907.